The following is an entry in ClinVar:

NM_006393.3(NEBL):c.892del (p.Met298fs)

Gene: NEBL (nebulette; minus strand). Cytogenetic location: 10p12.31.
Variant type: Deletion.
Coding change: c.892del on transcript NM_006393.3 (MANE Select); coding-DNA position 892, one base deleted (A; older notation c.892delA).
Protein change: p.Met298fs; shifts the reading frame from methionine 298.
Molecular consequence: frameshift variant. On other transcripts: intron variant (9).
Genome position (GRCh38, 1-based): chr10:20,858,251, T deleted on the plus strand (A on the coding strand, the reverse complement: NEBL is on the minus strand); the first of 4 consecutive T bases (chr10:20,858,251-20,858,254); deleting any one gives the same sequence. VCF-style (leftmost placement, unchanged base first): chr10-20858250-AT-A. GRCh37 (hg19) VCF-style: chr10-21147179-AT-A.
Other names: c.250-45311del (NM_001377326.1, NM_001377327.1, NM_001377328.1); c.358-45311del (NM_213569.2, NM_001173484.2, NM_001377322.1); c.301-45311del (NM_001377324.1); c.292-45311del (NM_001377325.1); c.310-45311del (NM_001377323.1); short protein forms M298fs.
Identifiers: ClinVar variation 4715639 (VCV004715639.1).

ClinVar aggregate classification (germline): Uncertain significance (1 of 4 stars; one submission).

Conditions:
Primary dilated cardiomyopathy (DCM). Also called: Dilated Cardiomyopathy. Identifiers: Orphanet 217604, MedGen C0007193, MeSH D002311, MONDO:0005021, HP:0001644. Inheritance: Various modes of inheritance.

Submission:

Labcorp Genetics (formerly Invitae), Labcorp
Classification: Uncertain significance for Primary dilated cardiomyopathy. Last evaluated: 2025-03-22. Review status: criteria provided, single submitter. Criteria: Invitae Variant Classification Sherloc (09022015). Collection method: clinical testing. Allele origin: germline.
Comment: This sequence change creates a premature translational stop signal (p.Met298Cysfs*40) in the NEBL gene. It is expected to result in an absent or disrupted protein product. However, the current clinical and genetic evidence is not sufficient to establish whether loss-of-function variants in NEBL cause disease. This variant is not present in population databases (gnomAD no frequency). This variant has not been reported in the literature in individuals affected with NEBL-related conditions. In summary, the available evidence is currently insufficient to determine the role of this variant in disease. Therefore, it has been classified as a Variant of Uncertain Significance.